The following is an entry in ClinVar:

NM_000368.5(TSC1):c.1189C>G (p.Pro397Ala)

Gene: TSC1 (TSC complex subunit 1; minus strand). Cytogenetic location: 9q34.13.
Variant type: single nucleotide variant.
Coding change: c.1189C>G on transcript NM_000368.5 (MANE Select); coding-DNA position 1189, C replaced by G.
Protein change: p.Pro397Ala; replaces proline 397 with alanine.
Molecular consequence: missense variant. On other transcripts: non-coding transcript variant (5).
Genome position (GRCh38, 1-based): chr9:132,910,645, G>C on the plus strand (C>G on the coding strand, the complement: TSC1 is on the minus strand). VCF-style: chr9-132910645-G-C. GRCh37 (hg19) VCF-style: chr9-135786032-G-C.
Other names: c.826C>G, p.Pro276Ala (NM_001406618.1, NM_001406619.1, NM_001406624.1 and 5 more transcripts); c.823C>G, p.Pro275Ala (NM_001406620.1, NM_001406621.1, NM_001406622.1 and 2 more transcripts); c.238C>G, p.Pro80Ala (NM_001406626.1); c.235C>G, p.Pro79Ala (NM_001406627.1, NM_001406628.1); c.136C>G, p.Pro46Ala (NM_001406629.1, NM_001406630.1); c.1186C>G, p.Pro396Ala (NM_001162426.2, NM_001406608.1, NM_001406609.1 and 6 more transcripts); c.1036C>G, p.Pro346Ala (NM_001406610.1, NM_001162427.2); c.1033C>G, p.Pro345Ala (NM_001406611.1, NM_001406612.1, NM_001406613.1); and 1 more; short protein forms P396A, P275A, P276A, P345A, P397A, P346A, P46A, P80A.
Identifiers: ClinVar variation 2752638 (VCV002752638.3), dbSNP rs2131944181, ClinGen allele CA375367038.

ClinVar aggregate classification (germline): Uncertain significance (1 of 4 stars; one submission).

Conditions:
Tuberous sclerosis 1 (TSC1). Identifiers: Orphanet 805, MedGen C1854465, MONDO:0008612, OMIM 191100.

Submission:

Labcorp Genetics (formerly Invitae), Labcorp
Classification: Uncertain significance for Tuberous sclerosis 1. Last evaluated: 2025-05-27. Review status: criteria provided, single submitter. Criteria: Invitae Variant Classification Sherloc (09022015). Collection method: clinical testing. Allele origin: germline.
Comment: This sequence change replaces proline, which is neutral and non-polar, with alanine, which is neutral and non-polar, at codon 397 of the TSC1 protein (p.Pro397Ala). This variant is not present in population databases (gnomAD no frequency). This variant has not been reported in the literature in individuals affected with TSC1-related conditions. ClinVar contains an entry for this variant (Variation ID: 2752638). Invitae Evidence Modeling of protein sequence and biophysical properties (such as structural, functional, and spatial information, amino acid conservation, physicochemical variation, residue mobility, and thermodynamic stability) indicates that this missense variant is not expected to disrupt TSC1 protein function with a negative predictive value of 95%. In summary, the available evidence is currently insufficient to determine the role of this variant in disease. Therefore, it has been classified as a Variant of Uncertain Significance.